The following is an entry in ClinVar:

ClinVar aggregate classification (germline): Uncertain significance (1 of 4 stars; one submission).

Submission:

Labcorp Genetics (formerly Invitae), Labcorp
Classification: Uncertain significance. Last evaluated: 2020-12-04. Review status: criteria provided, single submitter. Criteria: Invitae Variant Classification Sherloc (09022015). Collection method: clinical testing. Allele origin: germline.
Comment: In summary, the available evidence is currently insufficient to determine the role of this variant in disease. Therefore, it has been classified as a Variant of Uncertain Significance. Algorithms developed to predict the effect of missense changes on protein structure and function output the following: SIFT: "Tolerated"; PolyPhen-2: "Benign"; Align-GVGD: "Class C0". The lysine amino acid residue is found in multiple mammalian species, suggesting that this missense change does not adversely affect protein function. These predictions have not been confirmed by published functional studies and their clinical significance is uncertain. This variant has not been reported in the literature in individuals with XRCC2-related conditions. This variant is not present in population databases (ExAC no frequency). This sequence change replaces asparagine with lysine at codon 185 of the XRCC2 protein (p.Asn185Lys). The asparagine residue is weakly conserved and there is a moderate physicochemical difference between asparagine and lysine.

NM_005431.2(XRCC2):c.555T>G (p.Asn185Lys)

Gene: XRCC2 (X-ray repair cross complementing 2; minus strand). Cytogenetic location: 7q36.1.
Variant type: single nucleotide variant.
Coding change: c.555T>G on transcript NM_005431.2 (MANE Select); coding-DNA position 555, T replaced by G.
Protein change: p.Asn185Lys; replaces asparagine 185 with lysine.
Molecular consequence: missense variant.
Genome position (GRCh38, 1-based): chr7:152,648,930, A>C on the plus strand (T>G on the coding strand, the complement: XRCC2 is on the minus strand). VCF-style: chr7-152648930-A-C. GRCh37 (hg19) VCF-style: chr7-152346015-A-C.
Other names: short protein forms N185K.
Identifiers: ClinVar variation 1427557 (VCV001427557.8), dbSNP rs2116987578, ClinGen allele CA370198438.